The following is an entry in ClinVar:

ClinVar aggregate classification (germline): Uncertain significance (1 of 4 stars; one submission).

Submission:

Ambry Genetics
Classification: Uncertain significance. Last evaluated: 2024-01-25. Review status: criteria provided, single submitter. Criteria: Ambry Variant Classification Scheme 2023. Collection method: clinical testing. Allele origin: germline.
Comment: The p.T166S variant (also known as c.496A>T), located in coding exon 3 of the MNDA gene, results from an A to T substitution at nucleotide position 496. The threonine at codon 166 is replaced by serine, an amino acid with similar properties. This amino acid position is conserved. In addition, this alteration is predicted to be tolerated by in silico analysis. Based on the available evidence, the clinical significance of this alteration remains unclear.

NM_002432.3(MNDA):c.496A>T (p.Thr166Ser)

Gene: MNDA (myeloid cell nuclear differentiation antigen; plus strand). Cytogenetic location: 1q23.1.
Variant type: single nucleotide variant.
Coding change: c.496A>T on transcript NM_002432.3 (MANE Select); coding-DNA position 496, A replaced by T.
Protein change: p.Thr166Ser; replaces threonine 166 with serine.
Molecular consequence: missense variant.
Genome position (GRCh38, 1-based): chr1:158,844,048, A>T. VCF-style: chr1-158844048-A-T. GRCh37 (hg19) VCF-style: chr1-158813838-A-T.
Other names: short protein forms T166S.
Identifiers: ClinVar variation 3222195 (VCV003222195.1), dbSNP rs2526081891, ClinGen allele CA343039320.
Genomic context (GRCh38, chr1:158,844,048, plus strand): 5'-GCCAAAAGGAATAAGGTGTCCCAAGAGCAGAGTAAGCCCCCAGGTCCCTCAGGAGCCAGC[A>T]CATCTGCAGCTGTGGATCATCCCCCACTACCCCAGACCTCATCATCAACTCCATCCAACA-3'
Protein context (NP_002423.1, residues 156-176): SKPPGPSGAS[Thr166Ser]SAAVDHPPLP